The following is an entry in ClinVar:

ClinVar aggregate classification (germline): Uncertain significance (1 of 4 stars; one submission).

Conditions:
Neurodevelopmental disorder with hypotonia, stereotypic hand movements, and impaired language. Also called: Intellectual disability, autosomal dominant 20. Identifiers: Orphanet 228384, Orphanet 664410, MedGen C3150700, MONDO:0013266, OMIM 613443.

Allele frequency attached by ClinVar (database versions not stated): gnomAD exomes below 0.00001.
gnomAD v4.1: 1 of 1,614,106 alleles (0.000062%); highest among the groups gnomAD compares: Non-Finnish European, 0.000085%; no homozygotes.

Submission:

Labcorp Genetics (formerly Invitae), Labcorp
Classification: Uncertain significance for Neurodevelopmental disorder with hypotonia, stereotypic hand movements, and impaired language. Last evaluated: 2019-08-08. Review status: criteria provided, single submitter. Criteria: Invitae Variant Classification Sherloc (09022015). Collection method: clinical testing. Allele origin: germline.
Comment: This variant is not present in population databases (ExAC no frequency). This sequence change replaces alanine with valine at codon 44 of the MEF2C protein (p.Ala44Val). The alanine residue is highly conserved and there is a small physicochemical difference between alanine and valine. This variant has not been reported in the literature in individuals with MEF2C-related conditions. Algorithms developed to predict the effect of missense changes on protein structure and function are either unavailable or do not agree on the potential impact of this missense change (SIFT: "Deleterious"; PolyPhen-2: "Probably Damaging"; Align-GVGD: "Class C0"). In summary, the available evidence is currently insufficient to determine the role of this variant in disease. Therefore, it has been classified as a Variant of Uncertain Significance.

NM_002397.5(MEF2C):c.131C>T (p.Ala44Val)

Gene: MEF2C (myocyte enhancer factor 2C; minus strand). Cytogenetic location: 5q14.3.
Variant type: single nucleotide variant.
Coding change: c.131C>T on transcript NM_002397.5 (MANE Select); coding-DNA position 131, C replaced by T.
Protein change: p.Ala44Val; replaces alanine 44 with valine.
Molecular consequence: missense variant.
Genome position (GRCh38, 1-based): chr5:88,804,725, G>A on the plus strand (C>T on the coding strand, the complement: MEF2C is on the minus strand). VCF-style: chr5-88804725-G-A. GRCh37 (hg19) VCF-style: chr5-88100542-G-A.
Other names: c.131C>T, p.Ala44Val (NM_001131005.2, NM_001193347.1, NM_001193348.1 and 29 more transcripts); short protein forms A44V.
Identifiers: ClinVar variation 936151 (VCV000936151.10), dbSNP rs1799664202, ClinGen allele CA360425052.